The following is an entry in ClinVar:

ClinVar aggregate classification (germline): Pathogenic (1 of 4 stars; one submission).

Submission:

Labcorp Genetics (formerly Invitae), Labcorp
Classification: Pathogenic. Last evaluated: 2025-06-27. Review status: criteria provided, single submitter. Criteria: Invitae Variant Classification Sherloc (09022015). Collection method: clinical testing. Allele origin: germline.
Comment: This sequence change creates a premature translational stop signal (p.Ile643Phefs*19) in the NAA15 gene. It is expected to result in an absent or disrupted protein product. Loss-of-function variants in NAA15 are known to be pathogenic (PMID: 28191889, 29656860). This variant is not present in population databases (gnomAD no frequency). This variant has not been reported in the literature in individuals affected with NAA15-related conditions. For these reasons, this variant has been classified as Pathogenic.

Literature cited by the submitters: PubMed 28191889; PubMed 29656860.

NM_057175.5(NAA15):c.1926del (p.Ile643fs)

Gene: NAA15 (N-alpha-acetyltransferase 15, NatA auxiliary subunit; plus strand). Cytogenetic location: 4q31.1.
Variant type: Deletion.
Coding change: c.1926del on transcript NM_057175.5 (MANE Select); coding-DNA position 1926, one base deleted (T; older notation c.1926delT).
Protein change: p.Ile643fs; shifts the reading frame from isoleucine 643.
Molecular consequence: frameshift variant.
Genome position (GRCh38, 1-based): chr4:139,370,383, T deleted; the last of 2 consecutive T bases (chr4:139,370,382-139,370,383); deleting either gives the same sequence. VCF-style (leftmost placement, unchanged base first): chr4-139370381-CT-C. GRCh37 (hg19) VCF-style: chr4-140291535-CT-C.
Other names: c.1926del, p.Ile643fs (NM_001410842.1); short protein forms I643fs.
Identifiers: ClinVar variation 4722248 (VCV004722248.1).
Genomic context (GRCh38, chr4:139,370,381, plus strand): 5'-AGAAATCAGAAAAAGAAGAAGGATGATGATGATGAGGAGATAGGAGGTCCAAAAGAAGAA[CT>C]TATTCCAGAGAAACTGGCCAAGGTACTTAATAATAGTGTTTAGCACAATTGAGTGACATT-3'